The following is an entry in ClinVar:

ClinVar aggregate classification (germline): Likely pathogenic (1 of 4 stars; one submission).

Conditions:
Nemaline myopathy 2 (NEM2). Also called: Nemaline myopathy 2, autosomal recessive. Identifiers: MedGen C1850569, MONDO:0009725, OMIM 256030.

Submission:

Labcorp Genetics (formerly Invitae), Labcorp
Classification: Likely pathogenic for Nemaline myopathy 2. Last evaluated: 2024-03-21. Review status: criteria provided, single submitter. Criteria: Invitae Variant Classification Sherloc (09022015). Collection method: clinical testing. Allele origin: germline.
Comment: This sequence change affects an acceptor splice site in intron 41 of the NEB gene. It is expected to disrupt RNA splicing. Variants that disrupt the donor or acceptor splice site typically lead to a loss of protein function (PMID: 16199547), and loss-of-function variants in NEB are known to be pathogenic (PMID: 25205138). This variant is not present in population databases (gnomAD no frequency). This variant has not been reported in the literature in individuals affected with NEB-related conditions. Algorithms developed to predict the effect of sequence changes on RNA splicing suggest that this variant may disrupt the consensus splice site. In summary, the currently available evidence indicates that the variant is pathogenic, but additional data are needed to prove that conclusively. Therefore, this variant has been classified as Likely Pathogenic.

Literature cited by the submitters: PubMed 16199547; PubMed 25205138.

NM_001164508.2(NEB):c.5032-2A>G

Gene: NEB (nebulin; minus strand). Cytogenetic location: 2q23.3.
Variant type: single nucleotide variant.
Coding change: c.5032-2A>G on transcript NM_001164508.2 (MANE Select); the canonical splice acceptor site of the intron before coding-DNA position 5032, A replaced by G.
Molecular consequence: splice acceptor variant.
Genome position (GRCh38, 1-based): chr2:151,665,541, T>C on the plus strand (A>G on the coding strand, the complement: NEB is on the minus strand). VCF-style: chr2-151665541-T-C. GRCh37 (hg19) VCF-style: chr2-152522055-T-C.
Other names: c.5032-2A>G (NM_004543.5, NM_001164507.2, NM_001271208.2).
Identifiers: ClinVar variation 3626660 (VCV003626660.2).